The following is an entry in ClinVar:

ClinVar aggregate classification (germline): Likely pathogenic (1 of 4 stars; one submission).

Conditions:
Dilated cardiomyopathy 1G (CMD1G). Identifiers: Orphanet 154, MedGen C1858763, MONDO:0011400, OMIM 604145.
Autosomal recessive limb-girdle muscular dystrophy type 2J (LGMDR10). Also called: Limb-girdle muscular dystrophy, type 2J; MUSCULAR DYSTROPHY, LIMB-GIRDLE, AUTOSOMAL RECESSIVE 10. Identifiers: Orphanet 140922, MedGen C1837342, MONDO:0012127, OMIM 608807.

Submission:

Labcorp Genetics (formerly Invitae), Labcorp
Classification: Likely pathogenic for Dilated cardiomyopathy 1G; Autosomal recessive limb-girdle muscular dystrophy type 2J. Last evaluated: 2026-01-12. Review status: criteria provided, single submitter. Criteria: Invitae Variant Classification Sherloc (09022015). Collection method: clinical testing. Allele origin: germline.
Comment: This sequence change creates a premature translational stop signal (p.Cys8432*) in the TTN gene. While this is not anticipated to result in nonsense mediated decay, it is expected to create a truncated TTN protein. This variant is not present in population databases (gnomAD no frequency). This variant has not been reported in the literature in individuals affected with TTN-related conditions. ClinVar contains an entry for this variant (Variation ID: 3760023). This variant is located in the I band of TTN (PMID: 25589632). Truncating variants in this region have been reported in individuals affected with autosomal recessive centronuclear myopathy (PMID: 23975875, internal data). Truncating variants in this region have also been identified in individuals affected with autosomal dominant dilated cardiomyopathy and/or cardio-related conditions (PMID: 27869827, 32964742, internal data). In summary, the currently available evidence indicates that the variant is pathogenic, but additional data are needed to prove that conclusively. Therefore, this variant has been classified as Likely Pathogenic.

Literature cited by the submitters: PubMed 25589632; PubMed 23975875; PubMed 27869827; PubMed 32964742.

NM_001267550.2(TTN):c.25296C>A (p.Cys8432Ter)

Gene: TTN (titin; minus strand). Cytogenetic location: 2q31.2.
Variant type: single nucleotide variant.
Coding change: c.25296C>A on transcript NM_001267550.2 (MANE Select); coding-DNA position 25296, C replaced by A.
Protein change: p.Cys8432Ter; replaces cysteine 8432 with a stop codon.
Molecular consequence: nonsense. On other transcripts: intron variant (3).
Genome position (GRCh38, 1-based): chr2:178,717,578, G>T on the plus strand (C>A on the coding strand, the complement: TTN is on the minus strand). VCF-style: chr2-178717578-G-T. GRCh37 (hg19) VCF-style: chr2-179582305-G-T.
Other names: c.24345C>A, p.Cys8115Ter (NM_001256850.1); c.21564C>A, p.Cys7188Ter (NM_133378.4); c.13282+20504C>A (NM_003319.4); c.13858+20504C>A (NM_133437.4); c.13657+20504C>A (NM_133432.3); short protein forms C7188*, C8115*, C8432*.
Identifiers: ClinVar variation 3760023 (VCV003760023.2).